The following is an entry in ClinVar:

NM_002160.4(TNC):c.1516A>G (p.Ser506Gly)

Gene: TNC (tenascin C; minus strand). Cytogenetic location: 9q33.1.
Variant type: single nucleotide variant.
Coding change: c.1516A>G on transcript NM_002160.4 (MANE Select); coding-DNA position 1516, A replaced by G.
Protein change: p.Ser506Gly; replaces serine 506 with glycine.
Molecular consequence: missense variant.
Genome position (GRCh38, 1-based): chr9:115,086,215, T>C on the plus strand (A>G on the coding strand, the complement: TNC is on the minus strand). VCF-style: chr9-115086215-T-C. GRCh37 (hg19) VCF-style: chr9-117848494-T-C.
Other names: c.1516A>G, p.Ser506Gly (NM_001410991.1, NM_001439065.1, NM_001439066.1 and 35 more transcripts); short protein forms S506G.
Identifiers: ClinVar variation 4978772 (VCV004978772.1).

ClinVar aggregate classification (germline): Uncertain significance (1 of 4 stars; one submission).

Conditions:
TNC-related disorder. Also called: TNC-related condition.

gnomAD v4.1: 4 of 1,614,080 alleles (0.00025%); highest among the groups gnomAD compares: African/African-American, 0.0053%; no homozygotes.

Submission:

PreventionGenetics, part of Exact Sciences
Classification: Uncertain significance for TNC-related condition. Last evaluated: 2026-08-07. Review status: criteria provided, single submitter. Criteria: ACMG Guidelines, 2015. Collection method: clinical testing. Allele origin: germline.
Comment: The TNC c.1516A>G variant is predicted to result in the amino acid substitution p.Ser506Gly. To our knowledge, this variant has not been reported in the literature or in a large population database (gnomAD), indicating this variant is rare. At this time, the clinical significance of this variant is uncertain due to the absence of conclusive functional and genetic evidence.